The following is an entry in ClinVar:

ClinVar aggregate classification (germline): Likely pathogenic. Review status: criteria provided, multiple submitters, no conflicts (2 of 4 stars). 5 submissions from 5 submitters: Likely pathogenic (3). 2 of the submissions do not count toward it. Last evaluated 2026-01-23.

Conditions:
Mucolipidosis type IV (ML4). Also called: ML IV. Identifiers: Orphanet 578, MedGen C0238286, MONDO:0009653, OMIM 252650.

Submissions (5):

Women's Health and Genetics/Laboratory Corporation of America, LabCorp
Classification: Likely pathogenic for Mucolipidosis type IV. Last evaluated: 2026-01-23. Review status: criteria provided, single submitter. Criteria: LabCorp Variant Classification Summary - May 2015. Collection method: clinical testing. Allele origin: germline.
Comment: Variant summary: MCOLN1 c.973_984+10del22 is located in a canonical splice-site and is predicted to affect mRNA splicing resulting in a significantly altered protein due to either exon skipping, shortening, or inclusion of intronic material. Variants that disrupt the consensus splice site are a relatively common cause of aberrant splicing and loss of MCOLN1 function. Several computational tools predict a significant impact on normal splicing: Four predict the variant abolishes a 5' splicing donor site. However, these predictions have yet to be confirmed by functional studies. The variant allele was found at a frequency of 8e-06 in 251318 control chromosomes. To our knowledge, no occurrence of c.973_984+10del22 in individuals affected with MCOLN1-related conditions and no experimental evidence demonstrating its impact on protein function have been reported. ClinVar contains an entry for this variant (Variation ID: 555937). Based on the evidence outlined above, the variant was classified as likely pathogenic.

Dasa
Classification: Likely pathogenic for Mucolipidosis type IV. Last evaluated: 2025-09-17. Review status: criteria provided, single submitter. Criteria: DASA Assertion Criteria. Collection method: clinical testing. Allele origin: germline.
Comment: NM_020533.3(MCOLN1):c.973_984+10del is a splice-region variant predicted to affect normal RNA splicing. This variant is rare in population databases. Based on the currently available evidence, this variant is classified as likely pathogenic.

Labcorp Genetics (formerly Invitae), Labcorp
Classification: Likely pathogenic for Mucolipidosis type IV. Last evaluated: 2022-08-21. Review status: criteria provided, single submitter. Criteria: Invitae Variant Classification Sherloc (09022015). Collection method: clinical testing. Allele origin: germline.
Comment: In summary, the currently available evidence indicates that the variant is pathogenic, but additional data are needed to prove that conclusively. Therefore, this variant has been classified as Likely Pathogenic. Algorithms developed to predict the effect of sequence changes on RNA splicing suggest that this variant may disrupt the consensus splice site. ClinVar contains an entry for this variant (Variation ID: 555937). This variant has not been reported in the literature in individuals affected with MCOLN1-related conditions. This variant is present in population databases (rs779141908, gnomAD 0.002%). This variant results in the deletion of part of exon 8 (c.973_984+10del) of the MCOLN1 gene. It is expected to disrupt RNA splicing. Variants that disrupt the donor or acceptor splice site typically lead to a loss of protein function (PMID: 16199547), and loss-of-function variants in MCOLN1 are known to be pathogenic (PMID: 11030752, 11317355).

Counsyl
Classification: Likely pathogenic for Mucolipidosis type IV. Last evaluated: 2018-01-04. Review status: no assertion criteria provided. Collection method: clinical testing. Allele origin: unknown. Not counted in ClinVar's aggregate classification.

Natera, Inc.
Classification: Likely pathogenic for Mucolipidosis type IV. Last evaluated: 2017-11-07. Review status: no assertion criteria provided. Collection method: clinical testing. Allele origin: germline. Not counted in ClinVar's aggregate classification.

Literature cited by the submitters: PubMed 16199547 (cited by Labcorp Genetics (formerly Invitae), Labcorp); PubMed 11030752 (cited by Labcorp Genetics (formerly Invitae), Labcorp); PubMed 11317355 (cited by Labcorp Genetics (formerly Invitae), Labcorp).

NM_020533.3(MCOLN1):c.973_984+10del

Gene: MCOLN1 (mucolipin TRP cation channel 1; plus strand). Cytogenetic location: 19p13.2.
Variant type: Deletion.
Coding change: c.973_984+10del on transcript NM_020533.3 (MANE Select); coding-DNA position 973 through 10 bases into the intron after coding-DNA position 984, 22 bases deleted (CTGCTGCAGAACGTGAGGCTTC).
Molecular consequence: splice donor variant.
Genome position (GRCh38, 1-based): chr19:7,528,692-7,528,713, CTGCTGCAGAACGTGAGGCTTC deleted; deleting any 22 consecutive bases within chr19:7,528,684-7,528,713 gives the same sequence; the c. name uses the placement nearest the transcript's 3' end. VCF-style (leftmost placement, unchanged base first): chr19-7528683-CGAGGCTTCCTGCTGCAGAACGT-C. GRCh37 (hg19) VCF-style: chr19-7593569-CGAGGCTTCCTGCTGCAGAACGT-C.
Other names: c.973_984+10del (NM_020533.2); c.973_984+10del22 (NM_020533.3).
Identifiers: ClinVar variation 555937 (VCV000555937.16), dbSNP rs779141908, ClinGen allele CA9138966.